The following is an entry in ClinVar:

ClinVar aggregate classification (germline): Uncertain significance (1 of 4 stars; one submission).

Conditions:
Charcot-Marie-Tooth disease axonal type 2O. Also called: CHARCOT-MARIE-TOOTH NEUROPATHY, AXONAL, TYPE 2O; CHARCOT-MARIE-TOOTH DISEASE, AXONAL, AUTOSOMAL DOMINANT, TYPE 2O; Charcot-Marie-Tooth disease, axonal, type 20; Charcot-Marie-Tooth Neuropathy Type 2O. Identifiers: Orphanet 284232, MedGen C3280220, MONDO:0013644, OMIM 614228.
Cortical dysplasia, complex, with other brain malformations 13. Also called: Intellectual disability, autosomal dominant 13. Identifiers: MedGen C3281202, MONDO:0013805, OMIM 614563.
Autosomal dominant childhood-onset proximal spinal muscular atrophy without contractures. Also called: KUGELBERG-WELANDER SYNDROME, AUTOSOMAL DOMINANT; SPINAL MUSCULAR ATROPHY, JUVENILE, PROXIMAL, AUTOSOMAL DOMINANT; SPINAL MUSCULAR ATROPHY, CHILDHOOD, PROXIMAL, AUTOSOMAL DOMINANT; Spinal muscular atrophy, lower extremity-predominant 1, AD. Identifiers: Orphanet 209341, Orphanet 363447, MedGen C5780022, MONDO:0008026, OMIM 158600.

Allele frequency attached by ClinVar (database versions not stated): gnomAD exomes below 0.00001.
gnomAD v4.1: 4 of 1,614,166 alleles (0.00025%); highest among the groups gnomAD compares: Non-Finnish European, 0.00034%; no homozygotes.

Submission:

GeneDx
Classification: Uncertain significance. Last evaluated: 2019-09-16. Review status: criteria provided, single submitter. Criteria: GeneDx Variant Classification Process June 2021. Collection method: clinical testing. Allele origin: germline. Affected: yes.
Comment: Not observed in large population cohorts (Lek et al., 2016); In silico analysis, which includes protein predictors and evolutionary conservation, supports a deleterious effect; Has not been previously published as pathogenic or benign to our knowledge

NM_001376.5(DYNC1H1):c.5114T>C (p.Val1705Ala)

Gene: DYNC1H1 (dynein cytoplasmic 1 heavy chain 1; plus strand). Cytogenetic location: 14q32.31.
Variant type: single nucleotide variant.
Coding change: c.5114T>C on transcript NM_001376.5 (MANE Select); coding-DNA position 5114, T replaced by C.
Protein change: p.Val1705Ala; replaces valine 1705 with alanine.
Molecular consequence: missense variant.
Genome position (GRCh38, 1-based): chr14:102,004,826, T>C. VCF-style: chr14-102004826-T-C. GRCh37 (hg19) VCF-style: chr14-102471163-T-C.
Other names: short protein forms V1705A.
Identifiers: ClinVar variation 918035 (VCV000918035.7), dbSNP rs2048178354, ClinGen allele CA391045411.
Genomic context (GRCh38, chr14:102,004,826, plus strand): 5'-TGTTTAAAACTCCTGTGTCAATTACTGAACATCCCAAAATCAATGAGTGGCTCACATTGG[T>C]AGAAAAGGAGATGAGAGTCACCCTGGCCAAACTGCTTGCTGAGTCTGTTACGGAAGTTGA-3'
Protein context (NP_001367.2, residues 1695-1715): HPKINEWLTL[Val1705Ala]EKEMRVTLAK